The following is an entry in ClinVar:

NM_001005242.3(PKP2):c.702C>G (p.Ile234Met)

Gene: PKP2 (plakophilin 2; minus strand). Cytogenetic location: 12p11.21.
Variant type: single nucleotide variant.
Coding change: c.702C>G on transcript NM_001005242.3 (MANE Select); coding-DNA position 702, C replaced by G.
Protein change: p.Ile234Met; replaces isoleucine 234 with methionine.
Molecular consequence: missense variant.
Genome position (GRCh38, 1-based): chr12:32,878,178, G>C on the plus strand (C>G on the coding strand, the complement: PKP2 is on the minus strand). VCF-style: chr12-32878178-G-C. GRCh37 (hg19) VCF-style: chr12-33031112-G-C.
Other names: c.702C>G, p.Ile234Met (NM_001407155.1, NM_001407156.1, NM_001407157.1 and 2 more transcripts); c.375C>G, p.Ile125Met (NM_001407158.1, NM_001407159.1, NM_001407160.1 and 1 more transcripts); short protein forms I125M, I234M.
Identifiers: ClinVar variation 3070708 (VCV003070708.1), dbSNP rs2541340252, ClinGen allele CA384363193.

ClinVar aggregate classification (germline): Uncertain significance (1 of 4 stars; one submission).

Conditions:
Arrhythmogenic right ventricular cardiomyopathy (ARVD). Also called: Arrhythmogenic right ventricular dysplasia; Cardiomyopathy, ARVC; Arrhythmogenic cardiomyopathy; Arrhythmogenic Right Ventricular Cardiomyopathy (ARVC). Identifiers: Orphanet 247, MedGen C0349788, MeSH D019571, MONDO:0016587. Disease mechanism: loss of function. Inheritance: Various modes of inheritance.

Submission:

All of Us Research Program, National Institutes of Health
Classification: Uncertain significance for Arrhythmogenic right ventricular cardiomyopathy. Last evaluated: 2023-05-04. Review status: criteria provided, single submitter. Criteria: ACMG Guidelines, 2015. Collection method: clinical testing. Allele origin: germline. Inheritance: Autosomal dominant inheritance. Observed: 1 variant allele, 1 heterozygote.
Comment: This missense variant replaces isoleucine with methionine at codon 234 of the PKP2 protein. Computational prediction suggests that this variant may not impact protein structure and function (internally defined REVEL score threshold <= 0.5, PMID: 27666373). To our knowledge, functional studies have not been reported for this variant. This variant has not been reported in individuals affected with PKP2-related disorders in the literature. This variant has not been identified in the general population by the Genome Aggregation Database (gnomAD). The available evidence is insufficient to determine the role of this variant in disease conclusively. Therefore, this variant is classified as a Variant of Uncertain Significance.

This study involves interpretation of variants in research participants for the purpose of population health screening. Participant phenotype was not available at the time of variant classification. Additional details can be found in publication PMID: 35346344, PMCID: PMC8962531